The following is an entry in ClinVar:

NM_000548.5(TSC2):c.4499T>G (p.Val1500Gly)

Gene: TSC2 (TSC complex subunit 2; plus strand). Cytogenetic location: 16p13.3.
Variant type: single nucleotide variant.
Coding change: c.4499T>G on transcript NM_000548.5 (MANE Select); coding-DNA position 4499, T replaced by G.
Protein change: p.Val1500Gly; replaces valine 1500 with glycine.
Molecular consequence: missense variant.
Genome position (GRCh38, 1-based): chr16:2,084,956, T>G. VCF-style: chr16-2084956-T-G. GRCh37 (hg19) VCF-style: chr16-2134957-T-G.
Other names: c.4298T>G, p.Val1433Gly (NM_001077183.3); c.4430T>G, p.Val1477Gly (NM_001114382.3); c.4190T>G, p.Val1397Gly (NM_001318827.2); c.4154T>G, p.Val1385Gly (NM_001318829.2); c.3767T>G, p.Val1256Gly (NM_001318831.2); c.4331T>G, p.Val1444Gly (NM_001318832.2); c.4301T>G, p.Val1434Gly (NM_001363528.2); c.4367T>G, p.Val1456Gly (NM_001370404.1); and 1 more; short protein forms V1500G, V1433G, V1457G, V1456G, V1385G, V1434G, V1477G, V1256G.
Identifiers: ClinVar variation 49494 (VCV000049494.6), dbSNP rs45517347, ClinGen allele CA020562.
Genomic context (GRCh38, chr16:2,084,956, plus strand): 5'-GTGGCTGCCCTGGCCAGGCCCTCACCTGGGTGCCCACCATCCCCTCCCTGTGCAGTTTCG[T>G]GTTCCTGCAGCTCTACCATTCCCCCTTCTTTGGCGACGAGTCAAACAAGCCAATCCTGCT-3'
Protein context (NP_000539.2, residues 1490-1510): EKVPGINPSF[Val1500Gly]FLQLYHSPFF

ClinVar aggregate classification (germline): Uncertain significance. Review status: criteria provided, single submitter (1 of 4 stars). 2 submissions from 2 submitters: Uncertain significance (1). 1 of the submissions does not count toward it. Last evaluated 2022-05-06.

Conditions:
Tuberous sclerosis syndrome (TSC). Also called: Tuberous Sclerosis Complex; Tuberous sclerosis. Identifiers: Orphanet 805, MedGen C0041341, MONDO:0001734.
Tuberous sclerosis 2 (TSC2). Identifiers: Orphanet 805, MedGen C1860707, MONDO:0013199, OMIM 613254.

Submissions (2):

Labcorp Genetics (formerly Invitae), Labcorp
Classification: Uncertain significance for Tuberous sclerosis 2. Last evaluated: 2022-05-06. Review status: criteria provided, single submitter. Criteria: Invitae Variant Classification Sherloc (09022015). Collection method: clinical testing. Allele origin: germline.
Comment: Experimental studies have shown that this missense change affects TSC2 function (PMID: 21309039). In summary, the available evidence is currently insufficient to determine the role of this variant in disease. Therefore, it has been classified as a Variant of Uncertain Significance. Advanced modeling of protein sequence and biophysical properties (such as structural, functional, and spatial information, amino acid conservation, physicochemical variation, residue mobility, and thermodynamic stability) performed at Invitae indicates that this missense variant is expected to disrupt TSC2 protein function. This sequence change replaces valine, which is neutral and non-polar, with glycine, which is neutral and non-polar, at codon 1500 of the TSC2 protein (p.Val1500Gly). This variant is not present in population databases (gnomAD no frequency). This missense change has been observed in individual(s) with tuberous sclerosis complex (PMID: 17304050). ClinVar contains an entry for this variant (Variation ID: 49494).

Tuberous sclerosis database (TSC2)
No classification provided. Condition: TSC. Review status: no classification provided. Criteria: Tuberous Sclerosis Database Assertion Criteria 2015. Collection method: curation. Allele origin: germline. Affected: yes. Not counted in ClinVar's aggregate classification.

Literature cited by the submitters: PubMed 21309039 (cited by Labcorp Genetics (formerly Invitae), Labcorp); PubMed 17304050 (cited by Labcorp Genetics (formerly Invitae), Labcorp).